The following is an entry in ClinVar:

ClinVar aggregate classification (germline): Uncertain significance (1 of 4 stars; one submission).

Allele frequency attached by ClinVar (database versions not stated): TOPMed below 0.00001; gnomAD 0.00001; gnomAD exomes 0.00001.
gnomAD v4.1: 4 of 1,613,992 alleles (0.00025%); highest among the groups gnomAD compares: Non-Finnish European, 0.00034%; no homozygotes.

Submission:

Labcorp Genetics (formerly Invitae), Labcorp
Classification: Uncertain significance. Last evaluated: 2023-10-04. Review status: criteria provided, single submitter. Criteria: Invitae Variant Classification Sherloc (09022015). Collection method: clinical testing. Allele origin: germline.
Comment: This sequence change replaces glutamic acid, which is acidic and polar, with glycine, which is neutral and non-polar, at codon 772 of the TET2 protein (p.Glu772Gly). This variant is not present in population databases (gnomAD no frequency). This variant has not been reported in the literature in individuals affected with TET2-related conditions. An algorithm developed to predict the effect of missense changes on protein structure and function (PolyPhen-2) suggests that this variant is likely to be tolerated. In summary, the available evidence is currently insufficient to determine the role of this variant in disease. Therefore, it has been classified as a Variant of Uncertain Significance.

NM_001127208.3(TET2):c.2315A>G (p.Glu772Gly)

Genes: TET2 (tet methylcytosine dioxygenase 2; plus strand), TET2-AS1 (TET2 antisense RNA 1; minus strand). Cytogenetic location: 4q24.
Variant type: single nucleotide variant.
Coding change: c.2315A>G on transcript NM_001127208.3 (MANE Select); coding-DNA position 2315, A replaced by G.
Protein change: p.Glu772Gly; replaces glutamic acid 772 with glycine.
Molecular consequence: missense variant.
Genome position (GRCh38, 1-based): chr4:105,236,257, A>G. VCF-style: chr4-105236257-A-G. GRCh37 (hg19) VCF-style: chr4-106157414-A-G.
Other names: c.2315A>G, p.Glu772Gly (NM_017628.4); short protein forms E772G.
Identifiers: ClinVar variation 2790554 (VCV002790554.3), dbSNP rs1728891573, ClinGen allele CA357798571.